The following is an entry in ClinVar:

NM_177438.3(DICER1):c.2096G>A (p.Cys699Tyr)

Gene: DICER1 (dicer 1, ribonuclease III; minus strand). Cytogenetic location: 14q32.13.
Variant type: single nucleotide variant.
Coding change: c.2096G>A on transcript NM_177438.3 (MANE Select); coding-DNA position 2096, G replaced by A.
Protein change: p.Cys699Tyr; replaces cysteine 699 with tyrosine.
Molecular consequence: missense variant. On other transcripts: non-coding transcript variant (6).
Genome position (GRCh38, 1-based): chr14:95,112,192, C>T on the plus strand (G>A on the coding strand, the complement: DICER1 is on the minus strand). VCF-style: chr14-95112192-C-T. GRCh37 (hg19) VCF-style: chr14-95578529-C-T.
Other names: c.2096G>A, p.Cys699Tyr (NM_001195573.1, NM_001271282.3, NM_001291628.2 and 12 more transcripts); c.1814G>A, p.Cys605Tyr (NM_001395686.1); c.1691G>A, p.Cys564Tyr (NM_001395687.1, NM_001395688.1, NM_001395689.1 and 3 more transcripts); c.1529G>A, p.Cys510Tyr (NM_001395691.1); c.413G>A, p.Cys138Tyr (NM_001395697.1); short protein forms C138Y, C510Y, C564Y, C605Y, C699Y.
Identifiers: ClinVar variation 4746757 (VCV004746757.1).

ClinVar aggregate classification (germline): Uncertain significance (1 of 4 stars; one submission).

Conditions:
DICER1-related tumor predisposition. Also called: DICER1-related pleuropulmonary blastoma cancer predisposition syndrome; DICER1 syndrome. Identifiers: Orphanet 284343, MedGen C3839822, MONDO:0100216.

Submission:

Labcorp Genetics (formerly Invitae), Labcorp
Classification: Uncertain significance for DICER1-related tumor predisposition. Last evaluated: 2026-02-02. Review status: criteria provided, single submitter. Criteria: Invitae Variant Classification Sherloc (09022015). Collection method: clinical testing. Allele origin: germline.
Comment: This sequence change replaces cysteine, which is neutral and slightly polar, with tyrosine, which is neutral and polar, at codon 699 of the DICER1 protein (p.Cys699Tyr). This variant is not present in population databases (gnomAD no frequency). This variant has not been reported in the literature in individuals affected with DICER1-related conditions. Invitae Evidence Modeling of protein sequence and biophysical properties (such as structural, functional, and spatial information, amino acid conservation, physicochemical variation, residue mobility, and thermodynamic stability) indicates that this missense variant is expected to disrupt DICER1 protein function with a positive predictive value of 95%. In summary, the available evidence is currently insufficient to determine the role of this variant in disease. Therefore, it has been classified as a Variant of Uncertain Significance.